The following is an entry in ClinVar:

NM_000352.6(ABCC8):c.947G>A (p.Gly316Glu)

Gene: ABCC8 (ATP binding cassette subfamily C member 8; minus strand). Cytogenetic location: 11p15.1.
Variant type: single nucleotide variant.
Coding change: c.947G>A on transcript NM_000352.6 (MANE Select); coding-DNA position 947, G replaced by A.
Protein change: p.Gly316Glu; replaces glycine 316 with glutamic acid.
Molecular consequence: missense variant. On other transcripts: non-coding transcript variant (1).
Genome position (GRCh38, 1-based): chr11:17,460,552, C>T on the plus strand (G>A on the coding strand, the complement: ABCC8 is on the minus strand). VCF-style: chr11-17460552-C-T. GRCh37 (hg19) VCF-style: chr11-17482099-C-T.
Other names: c.947G>A, p.Gly316Glu (NM_001287174.3, NM_001351295.2); c.944G>A, p.Gly315Glu (NM_001351296.2, NM_001351297.2); short protein forms G316E, G315E.
Identifiers: ClinVar variation 210084 (VCV000210084.7), dbSNP rs797045214, ClinGen allele CA208191.

ClinVar aggregate classification (germline): Uncertain significance. Review status: criteria provided, multiple submitters, no conflicts (2 of 4 stars). 3 submissions from 2 submitters: Uncertain significance (3). Last evaluated 2014-06-20.

Conditions:
Transitory neonatal diabetes mellitus. Also called: Transient neonatal diabetes mellitus. Identifiers: MedGen C0342273, MONDO:0020525, HP:0008255.
Maturity-onset diabetes of the young (MODY). Also called: Maturity onset diabetes mellitus in young. Identifiers: Orphanet 552, MedGen C0342276, MONDO:0018911, HP:0004904.

Submissions (3):

Genetic Services Laboratory, University of Chicago
Classification: Uncertain significance. Last evaluated: 2014-06-20. Review status: criteria provided, single submitter. Criteria: ACMG Guidelines, 2015. Collection method: clinical testing. Allele origin: germline.

Clinical Genomics, Uppaluri K&H Personalized Medicine Clinic
Classification: Uncertain significance for Transitory neonatal diabetes mellitus. Review status: criteria provided, single submitter. Criteria: K & H Uppaluri Personalized Medicine Clinic Variant Classification & Assertion Criteria_Updated V.1. Collection method: research. Allele origin: unknown. Inheritance: Somatic mutation.
Comment: Mutations in ABCC8 gene are associated with both neonatal diabetes mellitus as well as MODY. Patients with this mutation may have a better response to sulfonylureas. However, no sufficient evidence is found to ascertain the role of this particular variant ( rs797045214) in neonatal diabetes yet.

Clinical Genomics, Uppaluri K&H Personalized Medicine Clinic
Classification: Uncertain significance for Maturity-onset diabetes of the young. Review status: criteria provided, single submitter. Criteria: K & H Uppaluri Personalized Medicine Clinic Variant Classification & Assertion Criteria_Updated V.1. Collection method: research. Allele origin: unknown. Inheritance: Somatic mutation.
Comment: Mutations in ABCC8 gene are associated with both neonatal diabetes mellitus as well as MODY. Patients with this mutation may have a better response to sulfonylureas. However, no sufficient evidence is found to ascertain the role of this particular variant ( rs797045214) in MODY yet.

Literature cited by the submitters: PubMed 16885549 (cited by Clinical Genomics, Uppaluri K&H Personalized Medicine Clinic); PubMed 21989597 (cited by Clinical Genomics, Uppaluri K&H Personalized Medicine Clinic); PubMed 27538677 (cited by Clinical Genomics, Uppaluri K&H Personalized Medicine Clinic); PubMed 18981553 (cited by Clinical Genomics, Uppaluri K&H Personalized Medicine Clinic); PubMed 32027066 (cited by Clinical Genomics, Uppaluri K&H Personalized Medicine Clinic); PubMed 16613899 (cited by Clinical Genomics, Uppaluri K&H Personalized Medicine Clinic); PubMed 18025408 (cited by Clinical Genomics, Uppaluri K&H Personalized Medicine Clinic); PubMed 32792356 (cited by Clinical Genomics, Uppaluri K&H Personalized Medicine Clinic).